The following is an entry in ClinVar:

NM_001457.4(FLNB):c.7036C>T (p.Arg2346Cys)

Genes: FLNB (filamin B; plus strand), FLNB-AS1 (FLNB antisense RNA 1; minus strand). Cytogenetic location: 3p14.3.
Variant type: single nucleotide variant.
Coding change: c.7036C>T on transcript NM_001457.4 (MANE Select); coding-DNA position 7036, C replaced by T.
Protein change: p.Arg2346Cys; replaces arginine 2346 with cysteine.
Molecular consequence: missense variant. On other transcripts: non-coding transcript variant (1).
Genome position (GRCh38, 1-based): chr3:58,163,168, C>T. VCF-style: chr3-58163168-C-T. GRCh37 (hg19) VCF-style: chr3-58148895-C-T.
Other names: c.7129C>T, p.Arg2377Cys (NM_001164317.2); c.7003C>T, p.Arg2335Cys (NM_001164318.2); c.6964C>T, p.Arg2322Cys (NM_001164319.2); c.7036C>T (NM_001457.3); short protein forms R2322C, R2335C, R2346C, R2377C.
Identifiers: ClinVar variation 1417463 (VCV001417463.16), dbSNP rs149638325, ClinGen allele CA2469592.

ClinVar aggregate classification (germline): Conflicting classifications of pathogenicity. Review status: criteria provided, conflicting classifications (1 of 4 stars). 6 submissions from 6 submitters: Uncertain significance (5); Likely benign (1). Last evaluated 2026-02-01.

Conditions:
Boomerang dysplasia. Identifiers: Orphanet 1263, MedGen C0432201, MONDO:0007208, OMIM 112310.
Atelosteogenesis type III. Also called: Atelosteogenesis Type 3 (FLNB-AO3). Identifiers: Orphanet 56305, MedGen C3668942, MONDO:0007168, OMIM 108721.
Atelosteogenesis type I. Also called: GIANT CELL CHONDRODYSPLASIA; SPONDYLOHUMEROFEMORAL HYPOPLASIA; Atelosteogenesis Type 1 (FLNB-AO1). Identifiers: Orphanet 1190, MedGen C0265283, MONDO:0007167, OMIM 108720.
Spondylocarpotarsal synostosis syndrome (SCT). Also called: Synspondylism congenital; Scoliosis, congenital with unilateral unsegmented bar; SPONDYLOCARPOTARSAL SYNDROME; VERTEBRAL FUSION WITH CARPAL COALITION; Spondylocarpotarsal Synostosis Syndrome (FLNB-SCT). Identifiers: Orphanet 3275, MedGen C1848934, MONDO:0010094, OMIM 272460.
Larsen syndrome (LRS). Also called: Bilateral dislocation of the knees, pes cavus, cylindrically shaped fingers and characteristic facies; Larsen syndrome (FLNB-LS). Identifiers: Orphanet 503, MedGen C0175778, MONDO:0007875, OMIM 150250. Disease mechanism: loss of function.
Inborn genetic diseases. Identifiers: MedGen C0950123, MeSH D030342.

Allele frequency attached by ClinVar (database versions not stated): gnomAD exomes 0.00005 and 0.00006; ExAC 0.00006; TOPMed 0.00008; gnomAD 0.00013 and 0.00014; ESP Exome Variant Server 0.00015.
gnomAD v4.1: 99 of 1,614,018 alleles (0.0061%); highest among the groups gnomAD compares: Non-Finnish European, 0.0077%; 1 homozygote.

Submissions (6):

CeGaT Center for Human Genetics Tuebingen
Classification: Uncertain significance. Last evaluated: 2026-02-01. Review status: criteria provided, single submitter. Criteria: CeGaT Center For Human Genetics Tuebingen Variant Classification Criteria Version 2. Collection method: clinical testing. Allele origin: germline. Affected: yes. Observed: 1 variant allele.
Comment: FLNB: PM2, PP3

Labcorp Genetics (formerly Invitae), Labcorp
Classification: Likely benign. Last evaluated: 2026-01-27. Review status: criteria provided, single submitter. Criteria: Invitae Variant Classification Sherloc (09022015). Collection method: clinical testing. Allele origin: germline.

Ambry Genetics
Classification: Uncertain significance for Inborn genetic diseases. Last evaluated: 2024-08-28. Review status: criteria provided, single submitter. Criteria: Ambry Variant Classification Scheme 2023. Collection method: clinical testing. Allele origin: germline.
Comment: Unlikely to be causative of FLNB-related skeletal disorders (AD) Based on insufficient or conflicting evidence, the clinical significance of this alteration remains unclear.

Fulgent Genetics
Classification: Uncertain significance for Atelosteogenesis type I; Atelosteogenesis type III; Boomerang dysplasia; Larsen syndrome; Spondylocarpotarsal synostosis syndrome. Last evaluated: 2024-05-01. Review status: criteria provided, single submitter. Criteria: ACMG Guidelines, 2015. Collection method: clinical testing. Allele origin: germline.

Department of Pathology and Laboratory Medicine, Sinai Health System
Classification: Uncertain significance for Atelosteogenesis type I; Atelosteogenesis type III; Boomerang dysplasia; Larsen syndrome; Spondylocarpotarsal synostosis syndrome. Last evaluated: 2023-10-02. Review status: criteria provided, single submitter. Criteria: ACMG Guidelines, 2015. Collection method: research. Allele origin: germline.

Revvity Omics, Revvity
Classification: Uncertain significance. Last evaluated: 2019-10-08. Review status: criteria provided, single submitter. Criteria: ACMG Guidelines, 2015. Collection method: clinical testing. Allele origin: germline.